The following is an entry in ClinVar:

NM_000350.3(ABCA4):c.614G>A (p.Cys205Tyr)

Gene: ABCA4 (ATP binding cassette subfamily A member 4; minus strand). Cytogenetic location: 1p22.1.
Variant type: single nucleotide variant.
Coding change: c.614G>A on transcript NM_000350.3 (MANE Select); coding-DNA position 614, G replaced by A.
Protein change: p.Cys205Tyr; replaces cysteine 205 with tyrosine.
Molecular consequence: missense variant.
Genome position (GRCh38, 1-based): chr1:94,098,948, C>T on the plus strand (G>A on the coding strand, the complement: ABCA4 is on the minus strand). VCF-style: chr1-94098948-C-T. GRCh37 (hg19) VCF-style: chr1-94564504-C-T.
Other names: c.614G>A, p.Cys205Tyr (NM_001425324.1); short protein forms C205Y.
Identifiers: ClinVar variation 1955197 (VCV001955197.5), dbSNP rs1662214905, ClinGen allele CA341289711.

ClinVar aggregate classification (germline): Pathogenic (1 of 4 stars; one submission).

Submission:

Labcorp Genetics (formerly Invitae), Labcorp
Classification: Pathogenic. Last evaluated: 2024-10-26. Review status: criteria provided, single submitter. Criteria: Invitae Variant Classification Sherloc (09022015). Collection method: clinical testing. Allele origin: germline.
Comment: This sequence change replaces cysteine, which is neutral and slightly polar, with tyrosine, which is neutral and polar, at codon 205 of the ABCA4 protein (p.Cys205Tyr). This variant is not present in population databases (gnomAD no frequency). This missense change has been observed in individual(s) with Stargardt disease (PMID: 37217489). ClinVar contains an entry for this variant (Variation ID: 1955197). Invitae Evidence Modeling of protein sequence and biophysical properties (such as structural, functional, and spatial information, amino acid conservation, physicochemical variation, residue mobility, and thermodynamic stability) indicates that this missense variant is expected to disrupt ABCA4 protein function with a positive predictive value of 95%. This variant disrupts the p.Cys205 amino acid residue in ABCA4. Other variant(s) that disrupt this residue have been determined to be pathogenic (PMID: 28559085; internal data). This suggests that this residue is clinically significant, and that variants that disrupt this residue are likely to be disease-causing. For these reasons, this variant has been classified as Pathogenic.

Literature cited by the submitters: PubMed 37217489; PubMed 28559085.